The following is an entry in ClinVar:

NM_002667.5(PLN):c.-98+17G>A

Genes: CEP85L (centrosomal protein 85 like; minus strand), PLN (phospholamban; plus strand). Cytogenetic location: 6q22.31.
Variant type: single nucleotide variant.
Coding change: c.-98+17G>A on transcript NM_002667.5 (MANE Select); 17 bases into the intron after 98 bases upstream of the start codon, G replaced by A.
Molecular consequence: intron variant.
Genome position (GRCh38, 1-based): chr6:118,548,409, G>A. VCF-style: chr6-118548409-G-A. GRCh37 (hg19) VCF-style: chr6-118869572-G-A.
Other names: c.1029+17120C>T (NM_001178035.2); c.1020+17120C>T (NM_001042475.3, NM_206921.3).
Identifiers: ClinVar variation 384450 (VCV000384450.2), dbSNP rs982384907, ClinGen allele CA16605014.

ClinVar aggregate classification (germline): Likely benign (1 of 4 stars; one submission).

Allele frequency attached by ClinVar (database versions not stated): TOPMed 0.00003; gnomAD 0.00006.

Submission:

GeneDx
Classification: Likely benign. Last evaluated: 2016-03-01. Review status: criteria provided, single submitter. Criteria: GeneDx Variant Classification (06012015). Collection method: clinical testing. Allele origin: germline. Affected: yes.
Comment: This variant is considered likely benign or benign based on one or more of the following criteria: it is a conservative change, it occurs at a poorly conserved position in the protein, it is predicted to be benign by multiple in silico algorithms, and/or has population frequency not consistent with disease.